The following is an entry in ClinVar:

ClinVar aggregate classification (germline): Benign. Review status: criteria provided, single submitter (1 of 4 stars). 2 submissions from 2 submitters: Benign (1). 1 of the submissions does not count toward it. Last evaluated 2025-08-29.

Conditions:
Noonan syndrome 9 (NS9). Identifiers: Orphanet 648, MedGen C4225282, MONDO:0014691, OMIM 616559.
SOS2-related disorder. Also called: SOS2-related condition.

Submissions (2):

Labcorp Genetics (formerly Invitae), Labcorp
Classification: Benign for Noonan syndrome 9. Last evaluated: 2025-08-29. Review status: criteria provided, single submitter. Criteria: Invitae Variant Classification Sherloc (09022015). Collection method: clinical testing. Allele origin: germline.

PreventionGenetics, part of Exact Sciences
Classification: Likely benign for SOS2-related condition. Last evaluated: 2020-09-18. Review status: no assertion criteria provided. Collection method: clinical testing. Allele origin: germline. Not counted in ClinVar's aggregate classification.
Comment: This variant is classified as likely benign based on ACMG/AMP sequence variant interpretation guidelines (Richards et al. 2015 PMID: 25741868, with internal and published modifications).

NM_006939.4(SOS2):c.1069-6dup

Gene: SOS2 (SOS Ras/Rho guanine nucleotide exchange factor 2; minus strand). Cytogenetic location: 14q21.3.
Variant type: Duplication.
Coding change: c.1069-6dup on transcript NM_006939.4 (MANE Select); 6 bases into the intron before coding-DNA position 1069, one base duplicated (T; older notation c.1069-6dupT).
Molecular consequence: intron variant.
Genome position (GRCh38, 1-based): chr14:50,161,615, A duplicated on the plus strand (T on the coding strand, the reverse complement: SOS2 is on the minus strand); the first of 6 consecutive A bases (chr14:50,161,615-50,161,620); duplicating any one gives the same sequence. VCF-style (leftmost placement, unchanged base first): chr14-50161614-G-GA. GRCh37 (hg19) VCF-style: chr14-50628332-G-GA.
Other names: c.1069-6dupT (NM_006939.3).
Identifiers: ClinVar variation 1598680 (VCV001598680.10), dbSNP rs756206186, ClinGen allele CA7177341.